The following is an entry in ClinVar:

NM_016138.5(COQ7):c.434T>C (p.Ile145Thr)

Gene: COQ7 (coenzyme Q7, hydroxylase; plus strand). Cytogenetic location: 16p12.3.
Variant type: single nucleotide variant.
Coding change: c.434T>C on transcript NM_016138.5 (MANE Select); coding-DNA position 434, T replaced by C.
Protein change: p.Ile145Thr; replaces isoleucine 145 with threonine.
Molecular consequence: missense variant. On other transcripts: non-coding transcript variant (3).
Genome position (GRCh38, 1-based): chr16:19,075,787, T>C. VCF-style: chr16-19075787-T-C. GRCh37 (hg19) VCF-style: chr16-19087109-T-C.
Other names: c.320T>C, p.Ile107Thr (NM_001190983.2, NM_001370492.1, NM_001370493.1 and 2 more transcripts); c.392T>C, p.Ile131Thr (NM_001370489.1, NM_001370491.1); c.434T>C, p.Ile145Thr (NM_001370490.1); short protein forms I107T, I131T, I145T.
Identifiers: ClinVar variation 1714546 (VCV001714546.5), dbSNP rs1328733371, ClinGen allele CA394922968.

ClinVar aggregate classification (germline): Uncertain significance (1 of 4 stars; one submission).

Allele frequency attached by ClinVar (database versions not stated): TOPMed below 0.00001; gnomAD 0.00001.
gnomAD v4.1: 1 of 1,613,368 alleles (0.000062%); highest among the groups gnomAD compares: Non-Finnish European, 0.000085%; no homozygotes.

Submission:

Labcorp Genetics (formerly Invitae), Labcorp
Classification: Uncertain significance. Last evaluated: 2022-07-30. Review status: criteria provided, single submitter. Criteria: Invitae Variant Classification Sherloc (09022015). Collection method: clinical testing. Allele origin: germline.
Comment: Algorithms developed to predict the effect of missense changes on protein structure and function (SIFT, PolyPhen-2, Align-GVGD) all suggest that this variant is likely to be disruptive. In summary, the available evidence is currently insufficient to determine the role of this variant in disease. Therefore, it has been classified as a Variant of Uncertain Significance. This variant has not been reported in the literature in individuals affected with COQ7-related conditions. This variant is not present in population databases (gnomAD no frequency). This sequence change replaces isoleucine, which is neutral and non-polar, with threonine, which is neutral and polar, at codon 145 of the COQ7 protein (p.Ile145Thr).